The following is an entry in ClinVar:

NM_015459.5(ATL3):c.10C>T (p.Pro4Ser)

Gene: ATL3 (atlastin GTPase 3; minus strand). Cytogenetic location: 11q13.1.
Variant type: single nucleotide variant.
Coding change: c.10C>T on transcript NM_015459.5 (MANE Select); coding-DNA position 10, C replaced by T.
Protein change: p.Pro4Ser; replaces proline 4 with serine.
Molecular consequence: missense variant. On other transcripts: intron variant (1).
Genome position (GRCh38, 1-based): chr11:63,671,326, G>A on the plus strand (C>T on the coding strand, the complement: ATL3 is on the minus strand). VCF-style: chr11-63671326-G-A. GRCh37 (hg19) VCF-style: chr11-63438798-G-A.
Other names: c.-9+310C>T (NM_001290048.2); short protein forms P4S.
Identifiers: ClinVar variation 541683 (VCV000541683.11), dbSNP rs755717662, ClinGen allele CA6063912.
Genomic context (GRCh38, chr11:63,671,326, plus strand): 5'-ATCCAGGGAAAATCGGCGCCTCACCTGCTCCTCTTGAGGCAGCTGCTGCCACTCGCTGAG[G>A]GGACAACATGGAGCCTCCGCCTTCAAAGCAGAAGCAGCAGGGGTGCAGAGGAGAGGGACG-3'
Protein context (NP_056274.3, residues 1-14): MLS[Pro4Ser]QRVAAAASRG

ClinVar aggregate classification (germline): Conflicting classifications of pathogenicity. Review status: criteria provided, conflicting classifications (1 of 4 stars). 3 submissions from 3 submitters: Uncertain significance (1); Likely benign (2). Last evaluated 2026-06-16.

Conditions:
Neuropathy, hereditary sensory, type 1F. Also called: HSN IF; Hereditary sensory neuropathy type IF. Identifiers: Orphanet 36386, MedGen C3810194, MONDO:0014286, OMIM 615632.
ATL3-related disorder. Also called: ATL3-related condition.
Inborn genetic diseases. Identifiers: MedGen C0950123, MeSH D030342.

Allele frequency attached by ClinVar (database versions not stated): gnomAD 0.00007 and 0.00008; gnomAD exomes 0.00007 and 0.00017; TOPMed 0.00008; ExAC 0.00018.

Submissions (3):

PreventionGenetics, part of Exact Sciences
Classification: Likely benign for ATL3-related condition. Last evaluated: 2026-06-16. Review status: criteria provided, single submitter. Criteria: ACMG Guidelines, 2015. Collection method: clinical testing. Allele origin: germline.
Comment: This variant is classified as likely benign based on ACMG/AMP sequence variant interpretation guidelines (Richards et al. 2015 PMID: 25741868, with internal and published modifications).

Labcorp Genetics (formerly Invitae), Labcorp
Classification: Uncertain significance for Neuropathy, hereditary sensory, type 1F. Last evaluated: 2025-12-08. Review status: criteria provided, single submitter. Criteria: Invitae Variant Classification Sherloc (09022015). Collection method: clinical testing. Allele origin: germline.
Comment: This sequence change replaces proline, which is neutral and non-polar, with serine, which is neutral and polar, at codon 4 of the ATL3 protein (p.Pro4Ser). This variant is present in population databases (rs755717662, gnomAD 0.02%). This variant has not been reported in the literature in individuals affected with ATL3-related conditions. ClinVar contains an entry for this variant (Variation ID: 541683). An algorithm developed to predict the effect of missense changes on protein structure and function (PolyPhen-2) suggests that this variant is likely to be tolerated. In summary, the available evidence is currently insufficient to determine the role of this variant in disease. Therefore, it has been classified as a Variant of Uncertain Significance.

Ambry Genetics
Classification: Likely benign for Inborn genetic diseases. Last evaluated: 2021-05-13. Review status: criteria provided, single submitter. Criteria: Ambry Variant Classification Scheme 2023. Collection method: clinical testing. Allele origin: germline.